The following is an entry in ClinVar:

ClinVar aggregate classification (germline): Uncertain significance (1 of 4 stars; one submission).

Submission:

Labcorp Genetics (formerly Invitae), Labcorp
Classification: Uncertain significance. Last evaluated: 2024-08-31. Review status: criteria provided, single submitter. Criteria: Invitae Variant Classification Sherloc (09022015). Collection method: clinical testing. Allele origin: germline.
Comment: This sequence change replaces glycine, which is neutral and non-polar, with arginine, which is basic and polar, at codon 96 of the SOX10 protein (p.Gly96Arg). This variant is not present in population databases (gnomAD no frequency). This variant has not been reported in the literature in individuals affected with SOX10-related conditions. Invitae Evidence Modeling of protein sequence and biophysical properties (such as structural, functional, and spatial information, amino acid conservation, physicochemical variation, residue mobility, and thermodynamic stability) indicates that this missense variant is not expected to disrupt SOX10 protein function with a negative predictive value of 80%. In summary, the available evidence is currently insufficient to determine the role of this variant in disease. Therefore, it has been classified as a Variant of Uncertain Significance.

NM_006941.4(SOX10):c.286G>C (p.Gly96Arg)

Genes: POLR2F (RNA polymerase II, I and III subunit F; plus strand), SOX10 (SRY-box transcription factor 10; minus strand). Cytogenetic location: 22q13.1.
Variant type: single nucleotide variant.
Coding change: c.286G>C on transcript NM_006941.4 (MANE Select); coding-DNA position 286, G replaced by C.
Protein change: p.Gly96Arg; replaces glycine 96 with arginine.
Molecular consequence: missense variant. On other transcripts: intron variant (3).
Genome position (GRCh38, 1-based): chr22:37,983,499, C>G on the plus strand (G>C on the coding strand, the complement: SOX10 is on the minus strand). VCF-style: chr22-37983499-C-G. GRCh37 (hg19) VCF-style: chr22-38379506-C-G.
Other names: c.*38+11189C>G (NM_001363825.1); c.294-2655C>G (NM_001301130.2); c.293+16329C>G (NM_001301131.2); short protein forms G96R.
Identifiers: ClinVar variation 3651224 (VCV003651224.2).